The following is an entry in ClinVar:

ClinVar aggregate classification (germline): Uncertain significance (1 of 4 stars; one submission).

Conditions:
Hereditary cancer-predisposing syndrome. Also called: Neoplastic Syndromes, Hereditary; Hereditary Cancer Syndrome; Tumor predisposition; Hereditary neoplastic syndrome. Identifiers: Orphanet 140162, MedGen C0027672, MeSH D009386, MONDO:0015356.

gnomAD v4.1: 1 of 1,612,894 alleles (0.000062%); highest among the groups gnomAD compares: Non-Finnish European, 0.000085%; no homozygotes.

Submission:

Ambry Genetics
Classification: Uncertain significance for Hereditary cancer-predisposing syndrome. Last evaluated: 2025-02-24. Review status: criteria provided, single submitter. Criteria: Ambry Variant Classification Scheme 2023. Collection method: clinical testing. Allele origin: germline.
Comment: The p.R908Q variant (also known as c.2723G>A), located in coding exon 27 of the RB1 gene, results from a G to A substitution at nucleotide position 2723. The arginine at codon 908 is replaced by glutamine, an amino acid with highly similar properties. This amino acid position is conserved. In addition, the in silico prediction for this alteration is inconclusive. Based on the available evidence, the clinical significance of this variant remains unclear.

NM_000321.3(RB1):c.2723G>A (p.Arg908Gln)

Gene: RB1 (RB transcriptional corepressor 1; plus strand). Cytogenetic location: 13q14.2.
Variant type: single nucleotide variant.
Coding change: c.2723G>A on transcript NM_000321.3 (MANE Select); coding-DNA position 2723, G replaced by A.
Protein change: p.Arg908Gln; replaces arginine 908 with glutamine.
Molecular consequence: missense variant. On other transcripts: synonymous variant (1).
Genome position (GRCh38, 1-based): chr13:48,480,007, G>A. VCF-style: chr13-48480007-G-A. GRCh37 (hg19) VCF-style: chr13-49054143-G-A.
Other names: c.2742G>A, p.Ser914= (NM_001407165.1); c.173G>A, p.Arg58Gln (NM_001407168.1); short protein forms R908Q, R58Q.
Identifiers: ClinVar variation 3787294 (VCV003787294.1).